The following is an entry in ClinVar:

ClinVar aggregate classification (germline): Uncertain significance (1 of 4 stars; one submission).

gnomAD v4.1: 4 of 1,613,952 alleles (0.00025%); highest among the groups gnomAD compares: Admixed American, 0.0017%; no homozygotes.

Submission:

GeneDx
Classification: Uncertain significance. Last evaluated: 2025-02-10. Review status: criteria provided, single submitter. Criteria: GeneDx Variant Classification Process June 2021. Collection method: clinical testing. Allele origin: germline. Affected: yes.
Comment: Not observed at significant frequency in large population cohorts (gnomAD); In silico analysis indicates that this missense variant does not alter protein structure/function; Has not been previously published as pathogenic or benign to our knowledge

NM_015311.3(OBSL1):c.2335A>G (p.Lys779Glu)

Gene: OBSL1 (obscurin like cytoskeletal adaptor 1; minus strand). Cytogenetic location: 2q35.
Variant type: single nucleotide variant.
Coding change: c.2335A>G on transcript NM_015311.3 (MANE Select); coding-DNA position 2335, A replaced by G.
Protein change: p.Lys779Glu; replaces lysine 779 with glutamic acid.
Molecular consequence: missense variant.
Genome position (GRCh38, 1-based): chr2:219,565,314, T>C on the plus strand (A>G on the coding strand, the complement: OBSL1 is on the minus strand). VCF-style: chr2-219565314-T-C. GRCh37 (hg19) VCF-style: chr2-220430036-T-C.
Other names: c.2335A>G, p.Lys779Glu (NM_001173408.2, NM_001173431.2); short protein forms K779E.
Identifiers: ClinVar variation 4074386 (VCV004074386.1).